The following is an entry in ClinVar:

NM_020436.5(SALL4):c.1291C>T (p.Arg431Ter)

Gene: SALL4 (spalt like transcription factor 4; minus strand). Cytogenetic location: 20q13.2.
Variant type: single nucleotide variant.
Coding change: c.1291C>T on transcript NM_020436.5 (MANE Select); coding-DNA position 1291, C replaced by T.
Protein change: p.Arg431Ter; replaces arginine 431 with a stop codon.
Molecular consequence: nonsense. On other transcripts: intron variant (1).
Genome position (GRCh38, 1-based): chr20:51,791,192, G>A on the plus strand (C>T on the coding strand, the complement: SALL4 is on the minus strand). VCF-style: chr20-51791192-G-A. GRCh37 (hg19) VCF-style: chr20-50407731-G-A.
Other names: c.1150+141C>T (NM_001318031.2); short protein forms R431*.
Identifiers: ClinVar variation 3639620 (VCV003639620.2).

ClinVar aggregate classification (germline): Pathogenic (1 of 4 stars; one submission).

Conditions:
Duane-radial ray syndrome (DRRS). Also called: DR SYNDROME; DUANE ANOMALY WITH RADIAL RAY ABNORMALITIES AND DEAFNESS; Duane-Radial Ray Syndrome/Okihiro Syndrome; ACRORENOOCULAR SYNDROME; Okihiro Syndrome; Duane-Radial Ray Syndrome (DRRS) / Okihiro Syndrome. Identifiers: Orphanet 93293, Orphanet 959, MedGen C1623209, MONDO:0011812, OMIM 607323. Disease mechanism: gain of function.

Submission:

Labcorp Genetics (formerly Invitae), Labcorp
Classification: Pathogenic for Duane-radial ray syndrome. Last evaluated: 2024-04-15. Review status: criteria provided, single submitter. Criteria: Invitae Variant Classification Sherloc (09022015). Collection method: clinical testing. Allele origin: germline.
Comment: This sequence change creates a premature translational stop signal (p.Arg431*) in the SALL4 gene. It is expected to result in an absent or disrupted protein product. Loss-of-function variants in SALL4 are known to be pathogenic (PMID: 15342710, 16086360). This variant is not present in population databases (gnomAD no frequency). This variant has not been reported in the literature in individuals affected with SALL4-related conditions. For these reasons, this variant has been classified as Pathogenic.

Literature cited by the submitters: PubMed 15342710; PubMed 16086360.